The following is an entry in ClinVar:

ClinVar aggregate classification (germline): Uncertain significance (1 of 4 stars; one submission).

Submission:

GeneDx
Classification: Uncertain significance. Last evaluated: 2024-03-05. Review status: criteria provided, single submitter. Criteria: GeneDx Variant Classification Process June 2021. Collection method: clinical testing. Allele origin: germline. Affected: yes.
Comment: Not observed at significant frequency in large population cohorts (gnomAD); In silico analysis supports that this missense variant does not alter protein structure/function; Has not been previously published as pathogenic or benign to our knowledge

NM_006662.3(SRCAP):c.5480C>T (p.Ala1827Val)

Gene: SRCAP (Snf2 related CREBBP activator protein; plus strand). Cytogenetic location: 16p11.2.
Variant type: single nucleotide variant.
Coding change: c.5480C>T on transcript NM_006662.3 (MANE Select); coding-DNA position 5480, C replaced by T.
Protein change: p.Ala1827Val; replaces alanine 1827 with valine.
Molecular consequence: missense variant.
Genome position (GRCh38, 1-based): chr16:30,724,904, C>T. VCF-style: chr16-30724904-C-T. GRCh37 (hg19) VCF-style: chr16-30736225-C-T.
Other names: short protein forms A1827V.
Identifiers: ClinVar variation 3370536 (VCV003370536.1).